The following is an entry in ClinVar:

NM_181458.4(PAX3):c.422_423dup (p.Val142fs)

Gene: PAX3 (paired box 3; minus strand). Cytogenetic location: 2q36.1.
Variant type: Microsatellite.
Coding change: c.422_423dup on transcript NM_181458.4 (MANE Select); coding-DNA positions 422 to 423, 2 bases duplicated (CG; older notation c.422_423dupCG).
Protein change: p.Val142fs; shifts the reading frame from valine 142.
Molecular consequence: frameshift variant.
Genome position (GRCh38, 1-based): chr2:222,295,556-222,295,557, CG duplicated on the plus strand (CG on the coding strand, the reverse complement: PAX3 is on the minus strand); duplicating any 2 consecutive bases within chr2:222,295,556-222,295,559 gives the same sequence; the c. name uses the placement nearest the transcript's 3' end. VCF-style (leftmost placement, unchanged base first): chr2-222295555-C-CCG. GRCh37 (hg19) VCF-style: chr2-223160274-C-CCG.
Other names: c.422_423dup, p.Val142fs (NM_000438.6, NM_013942.5, NM_181457.4 and 3 more transcripts); c.419_420dup, p.Val141fs (NM_001127366.3); short protein forms V141fs, V142fs.
Identifiers: ClinVar variation 4088192 (VCV004088192.1).
Genomic context (GRCh38, chr2:222,295,555, plus strand): 5'-CGCGCCTCGGGGAGAGGTTAATGGGCCTAGTACCTGACGGCACGGTGTTTCGATCACAGA[C>CCG]CGCGTCCTTGAGTAATTTGTCTCGGATTTCCCAGCTGAACATGCCCGGGTTCTCTCTTTT-3'

ClinVar aggregate classification (germline): Pathogenic (1 of 4 stars; one submission).

Submission:

GeneDx
Classification: Pathogenic. Last evaluated: 2025-01-17. Review status: criteria provided, single submitter. Criteria: GeneDx Variant Classification Process June 2021. Collection method: clinical testing. Allele origin: germline. Affected: yes.
Comment: Frameshift variant predicted to result in protein truncation or nonsense mediated decay in a gene for which loss of function is a known mechanism of disease; Not observed at significant frequency in large population cohorts (gnomAD); Has not been previously published as pathogenic or benign to our knowledge